The following is an entry in ClinVar:

ClinVar aggregate classification (germline): Uncertain significance (1 of 4 stars; one submission).

gnomAD v4.1: 1 of 1,613,162 alleles (0.000062%); highest among the groups gnomAD compares: Non-Finnish European, 0.000085%; no homozygotes.

Submission:

Labcorp Genetics (formerly Invitae), Labcorp
Classification: Uncertain significance. Last evaluated: 2023-07-18. Review status: criteria provided, single submitter. Criteria: Invitae Variant Classification Sherloc (09022015). Collection method: clinical testing. Allele origin: germline.
Comment: This sequence change replaces isoleucine, which is neutral and non-polar, with serine, which is neutral and polar, at codon 782 of the ITGAM protein (p.Ile782Ser). This variant is not present in population databases (gnomAD no frequency). This variant has not been reported in the literature in individuals affected with ITGAM-related conditions. An algorithm developed to predict the effect of missense changes on protein structure and function (PolyPhen-2) suggests that this variant is likely to be disruptive. In summary, the available evidence is currently insufficient to determine the role of this variant in disease. Therefore, it has been classified as a Variant of Uncertain Significance.

NM_000632.4(ITGAM):c.2345T>G (p.Ile782Ser)

Gene: ITGAM (integrin subunit alpha M; plus strand). Cytogenetic location: 16p11.2.
Variant type: single nucleotide variant.
Coding change: c.2345T>G on transcript NM_000632.4 (MANE Select); coding-DNA position 2345, T replaced by G.
Protein change: p.Ile782Ser; replaces isoleucine 782 with serine.
Molecular consequence: missense variant.
Genome position (GRCh38, 1-based): chr16:31,325,013, T>G. VCF-style: chr16-31325013-T-G. GRCh37 (hg19) VCF-style: chr16-31336334-T-G.
Other names: c.2348T>G, p.Ile783Ser (NM_001145808.2); short protein forms I782S, I783S.
Identifiers: ClinVar variation 2744655 (VCV002744655.3), dbSNP rs2544496612, ClinGen allele CA395690210.